The following is an entry in ClinVar:

NM_004168.4(SDHA):c.278T>C (p.Leu93Pro)

Gene: SDHA (succinate dehydrogenase complex flavoprotein subunit A; plus strand). Cytogenetic location: 5p15.33.
Variant type: single nucleotide variant.
Coding change: c.278T>C on transcript NM_004168.4 (MANE Select); coding-DNA position 278, T replaced by C.
Protein change: p.Leu93Pro; replaces leucine 93 with proline.
Molecular consequence: missense variant.
Genome position (GRCh38, 1-based): chr5:224,487, T>C. VCF-style: chr5-224487-T-C. GRCh37 (hg19) VCF-style: chr5-224602-T-C.
Other names: c.278T>C, p.Leu93Pro (NM_001294332.2, NM_001330758.2); short protein forms L93P.
Identifiers: ClinVar variation 1357856 (VCV001357856.8), dbSNP rs1326611328, ClinGen allele CA359008629.
Genomic context (GRCh38, chr5:224,487, plus strand): 5'-GCTTGCGAGCTGCATTTGGCCTTTCTGAGGCAGGGTTTAATACAGCATGTGTTACCAAGC[T>C]GTTTCCTACCAGGTCACACACTGTTGCAGCACAGGTAAGAGAAAGGTGCCCCACTGTGCT-3'
Protein context (NP_004159.2, residues 83-103): AGFNTACVTK[Leu93Pro]FPTRSHTVAA

ClinVar aggregate classification (germline): Uncertain significance. Review status: criteria provided, multiple submitters, no conflicts (2 of 4 stars). 2 submissions from 2 submitters: Uncertain significance (2). Last evaluated 2025-03-11.

Conditions:
Pheochromocytoma/paraganglioma syndrome 5. Also called: Paragangliomas 5; SDHA-Related Hereditary Paraganglioma-Pheochromocytoma Syndrome. Identifiers: Orphanet 29072, MedGen C3279992, MONDO:0013602, OMIM 614165.
Mitochondrial complex II deficiency, nuclear type 1. Also called: SUCCINATE CoQ REDUCTASE DEFICIENCY. Identifiers: Orphanet 3208, MedGen C5700310, MONDO:0100294, OMIM 252011.

Submissions (2):

Dasa
Classification: Uncertain significance. Last evaluated: 2025-03-11. Review status: criteria provided, single submitter. Criteria: DASA Assertion Criteria. Collection method: clinical testing. Allele origin: germline.
Comment: NM_004168.4(SDHA):c.278T>C (p.Leu93Pro) is a missense variant that results in the substitution of leucine with proline. This variant is absent from population databases. Computational prediction algorithms are consistent with a deleterious effect. The currently available literature and clinical evidence are not sufficient to establish a definitive association between this variant and the reported condition. Therefore, this variant is classified as a variant of uncertain significance.

Labcorp Genetics (formerly Invitae), Labcorp
Classification: Uncertain significance for Pheochromocytoma/paraganglioma syndrome 5; Mitochondrial complex II deficiency, nuclear type 1. Last evaluated: 2022-04-29. Review status: criteria provided, single submitter. Criteria: Invitae Variant Classification Sherloc (09022015). Collection method: clinical testing. Allele origin: germline.
Comment: In summary, the available evidence is currently insufficient to determine the role of this variant in disease. Therefore, it has been classified as a Variant of Uncertain Significance. Algorithms developed to predict the effect of missense changes on protein structure and function (SIFT, PolyPhen-2, Align-GVGD) all suggest that this variant is likely to be disruptive. This variant has not been reported in the literature in individuals affected with SDHA-related conditions. This variant is not present in population databases (gnomAD no frequency). This sequence change replaces leucine, which is neutral and non-polar, with proline, which is neutral and non-polar, at codon 93 of the SDHA protein (p.Leu93Pro).